The following is an entry in ClinVar:

NM_001394998.1(TANC2):c.6167G>A (p.Arg2056Gln)

Gene: TANC2 (tetratricopeptide repeat, ankyrin repeat and coiled-coil containing 2; plus strand). Cytogenetic location: 17q23.3.
Variant type: single nucleotide variant.
Coding change: c.6167G>A on transcript NM_001394998.1 (MANE Select); coding-DNA position 6167, G replaced by A.
Protein change: p.Arg2056Gln; replaces arginine 2056 with glutamine.
Molecular consequence: missense variant.
Genome position (GRCh38, 1-based): chr17:63,421,897, G>A. VCF-style: chr17-63421897-G-A. GRCh37 (hg19) VCF-style: chr17-61499258-G-A.
Other names: c.5915G>A, p.Arg1972Gln (NM_025185.4); c.5945G>A, p.Arg1982Gln (NM_001411076.1); short protein forms R1972Q, R1982Q, R2056Q.
Identifiers: ClinVar variation 4874254 (VCV004874254.2).

ClinVar aggregate classification (germline): Likely benign (1 of 4 stars; one submission).

gnomAD v4.1: 30 of 1,613,916 alleles (0.0019%); highest among the groups gnomAD compares: Non-Finnish European, 0.0023%; no homozygotes.

Submission:

CeGaT Center for Human Genetics Tuebingen
Classification: Likely benign. Last evaluated: 2026-05-01. Review status: criteria provided, single submitter. Criteria: CeGaT Center For Human Genetics Tuebingen Variant Classification Criteria Version 2. Collection method: clinical testing. Allele origin: germline. Affected: yes. Observed: 1 variant allele.
Comment: TANC2: BS1